The following is an entry in ClinVar:

NM_005228.5(EGFR):c.1171G>A (p.Glu391Lys)

Genes: EGFR (epidermal growth factor receptor; plus strand), LOC126860048 (P300/CBP strongly-dependent group 1 enhancer GRCh37_chr7:55223847-55225046; plus strand). Cytogenetic location: 7p11.2.
Variant type: single nucleotide variant.
Coding change: c.1171G>A on transcript NM_005228.5 (MANE Select); coding-DNA position 1171, G replaced by A.
Protein change: p.Glu391Lys; replaces glutamic acid 391 with lysine.
Molecular consequence: missense variant.
Genome position (GRCh38, 1-based): chr7:55,156,796, G>A. VCF-style: chr7-55156796-G-A. GRCh37 (hg19) VCF-style: chr7-55224489-G-A.
Other names: c.1036G>A, p.Glu346Lys (NM_001346897.2, NM_001346899.2); c.1171G>A, p.Glu391Lys (NM_001346898.2, NM_201282.2, NM_201283.2 and 1 more transcripts); c.1012G>A, p.Glu338Lys (NM_001346900.2); c.370G>A, p.Glu124Lys (NM_001346941.2); c.1171G>A (NM_005228.3); short protein forms E124K, E338K, E346K, E391K.
Identifiers: ClinVar variation 1035574 (VCV001035574.10), dbSNP rs1389500636, ClinGen allele CA367578617.
Genomic context (GRCh38, chr7:55,156,796, plus strand): 5'-AATCACCCTGTTGTTTGTTTCAGTGACTCCTTCACACATACTCCTCCTCTGGATCCACAG[G>A]AACTGGATATTCTGAAAACCGTAAAGGAAATCACAGGTTTGAGCTGAATTATCACATGAA-3'
Protein context (NP_005219.2, residues 381-401): FTHTPPLDPQ[Glu391Lys]LDILKTVKEI

ClinVar aggregate classification (germline): Conflicting classifications of pathogenicity. Review status: criteria provided, conflicting classifications (1 of 4 stars). 2 submissions from 2 submitters: Uncertain significance (1); Likely benign (1). Last evaluated 2025-06-03.

Conditions:
Hereditary cancer-predisposing syndrome. Also called: Hereditary neoplastic syndrome; Neoplastic Syndromes, Hereditary; Tumor predisposition; Hereditary Cancer Syndrome. Identifiers: Orphanet 140162, MedGen C0027672, MeSH D009386, MONDO:0015356.
EGFR-related lung cancer (EGFR). Identifiers: MedGen CN130014.

Allele frequency attached by ClinVar (database versions not stated): TOPMed below 0.00001.

Submissions (2):

Labcorp Genetics (formerly Invitae), Labcorp
Classification: Uncertain significance for EGFR-related lung cancer. Last evaluated: 2025-06-03. Review status: criteria provided, single submitter. Criteria: Invitae Variant Classification Sherloc (09022015). Collection method: clinical testing. Allele origin: germline.
Comment: This sequence change replaces glutamic acid, which is acidic and polar, with lysine, which is basic and polar, at codon 391 of the EGFR protein (p.Glu391Lys). This variant is not present in population databases (gnomAD no frequency). This variant has not been reported in the literature in individuals affected with EGFR-related conditions. ClinVar contains an entry for this variant (Variation ID: 1035574). Invitae Evidence Modeling of protein sequence and biophysical properties (such as structural, functional, and spatial information, amino acid conservation, physicochemical variation, residue mobility, and thermodynamic stability) indicates that this missense variant is not expected to disrupt EGFR protein function with a negative predictive value of 80%. In summary, the available evidence is currently insufficient to determine the role of this variant in disease. Therefore, it has been classified as a Variant of Uncertain Significance.

Ambry Genetics
Classification: Likely benign for Hereditary cancer-predisposing syndrome. Last evaluated: 2024-12-17. Review status: criteria provided, single submitter. Criteria: Ambry Variant Classification Scheme 2023. Collection method: clinical testing. Allele origin: germline.